The following is an entry in ClinVar:

ClinVar aggregate classification (germline): Uncertain significance (1 of 4 stars; one submission).

Conditions:
Developmental and epileptic encephalopathy, 25 (DEE25). Also called: Developmental and epileptic encephalopathy 25, with amelogenesis imperfecta; Epileptic encephalopathy, early infantile, 25, with amelogenesis imperfecta; Epileptic encephalopathy, early infantile, 25. Identifiers: Orphanet 442835, MedGen C4014621, MONDO:0014392, OMIM 615905.

Submission:

Labcorp Genetics (formerly Invitae), Labcorp
Classification: Uncertain significance for Developmental and epileptic encephalopathy, 25. Last evaluated: 2022-07-19. Review status: criteria provided, single submitter. Criteria: Invitae Variant Classification Sherloc (09022015). Collection method: clinical testing. Allele origin: germline.
Comment: A copy number gain of the genomic region encompassing the full coding sequence of the SLC13A5 gene has been identified. The boundaries of this event are unknown as they extend beyond the assayed region for this gene and therefore may encompass additional genes. As the precise location of this event is unknown, it may be in tandem or it may be located elsewhere in the genome. This variant has not been reported in the literature in individuals affected with SLC13A5-related conditions. In summary, the available evidence is currently insufficient to determine the role of this variant in disease. Therefore, it has been classified as a Variant of Uncertain Significance.

NC_000017.10:g.(?_5289526)_(6616652_?)dup

Genes: AIPL1 (AIP like 1 HSP90 co-chaperone; minus strand), C17orf100 (chromosome 17 open reading frame 100; plus strand), C1QBP (complement C1q binding protein; minus strand), DERL2 (derlin 2; minus strand), DHX33 (DEAH-box helicase 33; minus strand) and 11 more. Cytogenetic location: 17p13.2-13.1.
Variant type: Duplication.
Identifiers: ClinVar variation 2427557 (VCV002427557.5).